The following is an entry in ClinVar:

ClinVar aggregate classification (germline): Uncertain significance (1 of 4 stars; one submission).

Allele frequency attached by ClinVar (database versions not stated): gnomAD exomes below 0.00001.
gnomAD v4.1: 1 of 1,554,372 alleles (0.000064%); highest among the groups gnomAD compares: Non-Finnish European, 0.000087%; no homozygotes.

Submission:

GeneDx
Classification: Uncertain significance. Last evaluated: 2022-10-11. Review status: criteria provided, single submitter. Criteria: GeneDx Variant Classification Process June 2021. Collection method: clinical testing. Allele origin: germline.
Comment: Not observed at significant frequency in large population cohorts (gnomAD); In silico analysis supports that this missense variant has a deleterious effect on protein structure/function; Has not been previously published as pathogenic or benign to our knowledge

NM_001039141.3(TRIOBP):c.5996A>G (p.Glu1999Gly)

Gene: TRIOBP (TRIO and F-actin binding protein; plus strand). Cytogenetic location: 22q13.1.
Variant type: single nucleotide variant.
Coding change: c.5996A>G on transcript NM_001039141.3 (MANE Select); coding-DNA position 5996, A replaced by G.
Protein change: p.Glu1999Gly; replaces glutamic acid 1999 with glycine.
Molecular consequence: missense variant.
Genome position (GRCh38, 1-based): chr22:37,757,921, A>G. VCF-style: chr22-37757921-A-G. GRCh37 (hg19) VCF-style: chr22-38153928-A-G.
Other names: c.857A>G, p.Glu286Gly (NM_007032.5, NM_138632.2); short protein forms E1999G, E286G.
Identifiers: ClinVar variation 1708012 (VCV001708012.3), dbSNP rs2518222398, ClinGen allele CA411507447.